The following is an entry in ClinVar:

NM_006005.3(WFS1):c.2335G>T (p.Val779Leu)

Gene: WFS1 (wolframin ER transmembrane glycoprotein; plus strand). Cytogenetic location: 4p16.1.
Variant type: single nucleotide variant.
Coding change: c.2335G>T on transcript NM_006005.3 (MANE Select); coding-DNA position 2335, G replaced by T.
Protein change: p.Val779Leu; replaces valine 779 with leucine.
Molecular consequence: missense variant.
Genome position (GRCh38, 1-based): chr4:6,302,130, G>T. VCF-style: chr4-6302130-G-T. GRCh37 (hg19) VCF-style: chr4-6303857-G-T.
Other names: c.2335G>T, p.Val779Leu (NM_001145853.1); short protein forms V779L.
Identifiers: ClinVar variation 2189687 (VCV002189687.5), dbSNP rs141328044, ClinGen allele CA91797067.

ClinVar aggregate classification (germline): Uncertain significance. Review status: criteria provided, multiple submitters, no conflicts (2 of 4 stars). 2 submissions from 2 submitters: Uncertain significance (2). Last evaluated 2024-03-25.

Conditions:
Wolfram-like syndrome. Also called: HEARING LOSS, PROGRESSIVE, WITH OPTIC ATROPHY AND/OR IMPAIRED GLUCOSE REGULATION. Identifiers: Orphanet 411590, MedGen C3280358, MONDO:0013673, OMIM 614296.
Cataract 41 (CTRCT41). Also called: CATARACT 41, CONGENITAL NUCLEAR TYPE. Identifiers: Orphanet 91492, Orphanet 98991, Orphanet 98992, Orphanet 98995, MedGen C3805412, MONDO:0007287, OMIM 116400.
Autosomal dominant nonsyndromic hearing loss 6 (LFSNHL). Also called: DEAFNESS, AUTOSOMAL DOMINANT 6; DEAFNESS, AUTOSOMAL DOMINANT 14; DEAFNESS, AUTOSOMAL DOMINANT 38; Autosomal dominant nonsyndromic deafness 6. Identifiers: Orphanet 90635, MedGen C1833021, MONDO:0010963, OMIM 600965.
Type 2 diabetes mellitus. Also called: Type II diabetes mellitus. Identifiers: MedGen C0011860, MeSH D003924, MONDO:0005148, OMIM 125853, HP:0005978.
Wolfram syndrome 1 (WFS1). Identifiers: Orphanet 3463, MedGen C4551693, MONDO:0009101, OMIM 222300.

gnomAD v4.1: 8 of 1,612,842 alleles (0.0005%); highest among the groups gnomAD compares: African/African-American, 0.0027%; no homozygotes.

Submissions (2):

Fulgent Genetics
Classification: Uncertain significance for Cataract 41; Type 2 diabetes mellitus; Wolfram syndrome 1; Autosomal dominant nonsyndromic hearing loss 6; Wolfram-like syndrome. Last evaluated: 2024-03-25. Review status: criteria provided, single submitter. Criteria: ACMG Guidelines, 2015. Collection method: clinical testing. Allele origin: germline.

Labcorp Genetics (formerly Invitae), Labcorp
Classification: Uncertain significance. Last evaluated: 2022-10-24. Review status: criteria provided, single submitter. Criteria: Invitae Variant Classification Sherloc (09022015). Collection method: clinical testing. Allele origin: germline.
Comment: In summary, the available evidence is currently insufficient to determine the role of this variant in disease. Therefore, it has been classified as a Variant of Uncertain Significance. Advanced modeling of protein sequence and biophysical properties (such as structural, functional, and spatial information, amino acid conservation, physicochemical variation, residue mobility, and thermodynamic stability) performed at Invitae indicates that this missense variant is not expected to disrupt WFS1 protein function. This variant has not been reported in the literature in individuals affected with WFS1-related conditions. This variant is present in population databases (no rsID available, gnomAD 0.007%). This sequence change replaces valine, which is neutral and non-polar, with leucine, which is neutral and non-polar, at codon 779 of the WFS1 protein (p.Val779Leu).